The following is an entry in ClinVar:

ClinVar aggregate classification (germline): Uncertain significance (1 of 4 stars; one submission).

Submission:

GeneDx
Classification: Uncertain significance. Last evaluated: 2021-05-26. Review status: criteria provided, single submitter. Criteria: GeneDx Variant Classification Process June 2021. Collection method: clinical testing. Allele origin: germline. Affected: yes.
Comment: Not observed at significant frequency in large population cohorts (Lek et al., 2016); In silico analysis supports that this missense variant has a deleterious effect on protein structure/function; Has not been previously published as pathogenic or benign to our knowledge

NM_001042492.3(NF1):c.6625T>G (p.Leu2209Val)

Gene: NF1 (neurofibromin 1; plus strand). Cytogenetic location: 17q11.2.
Variant type: single nucleotide variant.
Coding change: c.6625T>G on transcript NM_001042492.3 (MANE Select); coding-DNA position 6625, T replaced by G.
Protein change: p.Leu2209Val; replaces leucine 2209 with valine.
Molecular consequence: missense variant.
Genome position (GRCh38, 1-based): chr17:31,337,565, T>G. VCF-style: chr17-31337565-T-G. GRCh37 (hg19) VCF-style: chr17-29664583-T-G.
Other names: c.6562T>G, p.Leu2188Val (NM_000267.4); short protein forms L2188V, L2209V.
Identifiers: ClinVar variation 1326396 (VCV001326396.2), dbSNP rs2151556602, ClinGen allele CA399013487.
Genomic context (GRCh38, chr17:31,337,565, plus strand): 5'-CCTGGCTCCTATGAGAGAGAGACTTTTGCTTTGACATCCTTGGAAACAGTCACAGAAGCT[T>G]TGTTGGAGATCATGGAGGTATAGAAGCCAAAATGATAAGAAACTAAGTTAAAATCTTTTT-3'
Protein context (NP_001035957.1, residues 2199-2219): LTSLETVTEA[Leu2209Val]LEIMEACMRD